The following is an entry in ClinVar:

NM_000066.4(C8B):c.353G>A (p.Ser118Asn)

Gene: C8B (complement C8 beta chain; minus strand). Cytogenetic location: 1p32.2.
Variant type: single nucleotide variant.
Coding change: c.353G>A on transcript NM_000066.4 (MANE Select); coding-DNA position 353, G replaced by A.
Protein change: p.Ser118Asn; replaces serine 118 with asparagine.
Molecular consequence: missense variant.
Genome position (GRCh38, 1-based): chr1:56,956,807, C>T on the plus strand (G>A on the coding strand, the complement: C8B is on the minus strand). VCF-style: chr1-56956807-C-T. GRCh37 (hg19) VCF-style: chr1-57422480-C-T.
Other names: c.197G>A, p.Ser66Asn (NM_001278543.2); c.167G>A, p.Ser56Asn (NM_001278544.2); c.353G>A (NM_000066.2); short protein forms S56N, S66N, S118N.
Identifiers: ClinVar variation 1445930 (VCV001445930.9), dbSNP rs149147808, ClinGen allele CA876020.

ClinVar aggregate classification (germline): Uncertain significance. Review status: criteria provided, multiple submitters, no conflicts (2 of 4 stars). 2 submissions from 2 submitters: Uncertain significance (2). Last evaluated 2024-10-16.

Conditions:
Inborn genetic diseases. Identifiers: MedGen C0950123, MeSH D030342.

Allele frequency attached by ClinVar (database versions not stated): gnomAD exomes below 0.00001 and 0.00002; ExAC 0.00001; TOPMed 0.00008; gnomAD 0.00010 and 0.00012; ESP Exome Variant Server 0.00015.
gnomAD v4.1: 25 of 1,613,984 alleles (0.0015%); highest among the groups gnomAD compares: African/African-American, 0.025%; no homozygotes.

Submissions (2):

Labcorp Genetics (formerly Invitae), Labcorp
Classification: Uncertain significance. Last evaluated: 2024-10-16. Review status: criteria provided, single submitter. Criteria: Invitae Variant Classification Sherloc (09022015). Collection method: clinical testing. Allele origin: germline.
Comment: This sequence change replaces serine, which is neutral and polar, with asparagine, which is neutral and polar, at codon 118 of the C8B protein (p.Ser118Asn). This variant is present in population databases (rs149147808, gnomAD 0.02%). This variant has not been reported in the literature in individuals affected with C8B-related conditions. ClinVar contains an entry for this variant (Variation ID: 1445930). An algorithm developed to predict the effect of missense changes on protein structure and function outputs the following: PolyPhen-2: "Benign". The asparagine amino acid residue is found in multiple mammalian species, which suggests that this missense change does not adversely affect protein function. In summary, the available evidence is currently insufficient to determine the role of this variant in disease. Therefore, it has been classified as a Variant of Uncertain Significance.

Ambry Genetics
Classification: Uncertain significance for Inborn genetic diseases. Last evaluated: 2024-05-01. Review status: criteria provided, single submitter. Criteria: Ambry Variant Classification Scheme 2023. Collection method: clinical testing. Allele origin: germline.